The following is an entry in ClinVar:

NM_020778.5(ALPK3):c.3253T>C (p.Ser1085Pro)

Gene: ALPK3 (alpha kinase 3; plus strand). Cytogenetic location: 15q25.3.
Variant type: single nucleotide variant.
Coding change: c.3253T>C on transcript NM_020778.5 (MANE Select); coding-DNA position 3253, T replaced by C.
Protein change: p.Ser1085Pro; replaces serine 1085 with proline.
Molecular consequence: missense variant.
Genome position (GRCh38, 1-based): chr15:84,857,991, T>C. VCF-style: chr15-84857991-T-C. GRCh37 (hg19) VCF-style: chr15-85401222-T-C.
Other names: short protein forms S1085P.
Identifiers: ClinVar variation 3533615 (VCV003533615.1).

ClinVar aggregate classification (germline): Uncertain significance (1 of 4 stars; one submission).

Conditions:
Cardiovascular phenotype. Identifiers: MedGen CN230736.

gnomAD v4.1: 1 of 1,600,202 alleles (0.000062%); highest among the groups gnomAD compares: South Asian, 0.0011%; no homozygotes.

Submission:

Ambry Genetics
Classification: Uncertain significance for Cardiovascular phenotype. Last evaluated: 2024-12-08. Review status: criteria provided, single submitter. Criteria: Ambry Variant Classification Scheme 2023. Collection method: clinical testing. Allele origin: germline.
Comment: The p.S1287P variant (also known as c.3859T>C), located in coding exon 6 of the ALPK3 gene, results from a T to C substitution at nucleotide position 3859. The serine at codon 1287 is replaced by proline, an amino acid with similar properties. This amino acid position is conserved. In addition, this alteration is predicted to be tolerated by in silico analysis. Based on the available evidence, the clinical significance of this variant remains unclear.